The following is an entry in ClinVar:

NM_001182.5(ALDH7A1):c.882G>C (p.Leu294=)

Gene: ALDH7A1 (aldehyde dehydrogenase 7 family member A1; minus strand). Cytogenetic location: 5q23.2.
Variant type: single nucleotide variant.
Coding change: c.882G>C on transcript NM_001182.5 (MANE Select); coding-DNA position 882, G replaced by C.
Protein change: p.Leu294=; no amino-acid change (leucine 294 retained).
Molecular consequence: synonymous variant.
Genome position (GRCh38, 1-based): chr5:126,561,114, C>G on the plus strand (G>C on the coding strand, the complement: ALDH7A1 is on the minus strand). VCF-style: chr5-126561114-C-G. GRCh37 (hg19) VCF-style: chr5-125896806-C-G.
Other names: c.798G>C, p.Leu266= (NM_001201377.2); c.882G>C, p.Leu294= (NM_001202404.2).
Identifiers: ClinVar variation 465334 (VCV000465334.13), dbSNP rs751053781, ClinGen allele CA3389609.

ClinVar aggregate classification (germline): Likely benign. Review status: criteria provided, multiple submitters, no conflicts (2 of 4 stars). 3 submissions from 3 submitters: Likely benign (3). Last evaluated 2025-10-26.

Conditions:
Pyridoxine-dependent epilepsy (EPEO4). Also called: Pyridoxine-Dependent Seizures; PYRIDOXINE DEPENDENCY WITH SEIZURES; EPILEPSY, EARLY-ONSET, 4, VITAMIN B6-DEPENDENT; Pyridoxine-Dependent Epilepsy - ALDH7A1. Identifiers: Orphanet 3006, MedGen C1849508, MONDO:0009945, OMIM 266100. Disease mechanism: loss of function.

Allele frequency attached by ClinVar (database versions not stated): ExAC 0.00004; gnomAD exomes 0.00005.
gnomAD v4.1: 17 of 1,611,910 alleles (0.0011%); highest among the groups gnomAD compares: Admixed American, 0.028%; no homozygotes.

Submissions (3):

Labcorp Genetics (formerly Invitae), Labcorp
Classification: Likely benign for Pyridoxine-dependent epilepsy. Last evaluated: 2025-10-26. Review status: criteria provided, single submitter. Criteria: Invitae Variant Classification Sherloc (09022015). Collection method: clinical testing. Allele origin: germline.

Genome-Nilou Lab
Classification: Likely benign for Pyridoxine-dependent epilepsy. Last evaluated: 2023-04-11. Review status: criteria provided, single submitter. Criteria: ACMG Guidelines, 2015. Collection method: clinical testing. Allele origin: germline. Affected: no.

GeneDx
Classification: Likely benign. Last evaluated: 2018-03-27. Review status: criteria provided, single submitter. Criteria: GeneDx Variant Classification (06012015). Collection method: clinical testing. Allele origin: germline. Affected: yes.
Comment: This variant is considered likely benign or benign based on one or more of the following criteria: it is a conservative change, it occurs at a poorly conserved position in the protein, it is predicted to be benign by multiple in silico algorithms, and/or has population frequency not consistent with disease.